The following is an entry in ClinVar:

ClinVar aggregate classification (germline): Uncertain significance (1 of 4 stars; one submission).

Conditions:
Dyskeratosis congenita, autosomal dominant 1 (DKCA1). Also called: Dyskeratosis congenita Scoggins type. Identifiers: Orphanet 1775, MedGen C4551974, MONDO:0007485, OMIM 127550. Inheritance: Variable.

Submission:

Labcorp Genetics (formerly Invitae), Labcorp
Classification: Uncertain significance for Dyskeratosis congenita, autosomal dominant 1. Last evaluated: 2022-02-19. Review status: criteria provided, single submitter. Criteria: Invitae Variant Classification Sherloc (09022015). Collection method: clinical testing. Allele origin: germline.
Comment: This variant occurs in the TERC gene, which encodes an RNA molecule that does not result in a protein product. In summary, the available evidence is currently insufficient to determine the role of this variant in disease. Therefore, it has been classified as a Variant of Uncertain Significance. This variant is located at the 5’ end of the TERC RNA component (PMID: 15082312, 21844345). The functional significance of this region is not well understood. ClinVar contains an entry for this variant (Variation ID: 1043515). This variant has not been reported in the literature in individuals affected with TERC-related conditions. This variant is not present in population databases (gnomAD no frequency).

Literature cited by the submitters: PubMed 15082312; PubMed 21844345.

NC_000003.12:g.169765058C>G

Genes: TERC (telomerase RNA component; minus strand), LOC110806306 (telomerase RNA component (TERC) promoter; plus strand). Cytogenetic location: 3q26.2.
Variant type: single nucleotide variant.
Genome position: GRCh38 VCF-style: chr3-169765058-C-G. GRCh37 (hg19) VCF-style: chr3-169482846-C-G.
Identifiers: ClinVar variation 1043515 (VCV001043515.9), dbSNP rs1351896490, ClinGen allele CA436716077.
Genomic context (GRCh38, chr3:169,765,058, plus strand): 5'-CTTCTCAGTTAGGGTTAGACAAAAAATGGCCACCACCCCTCCCAGGCCCACCCTCCGCAA[C>G]CCGGTGCGCTGCCGGGCGAGTCGGCTTATAAAGGGAGCGGCCGCCGACCGCACGGATTGG-3'